The following is an entry in ClinVar:

ClinVar aggregate classification (germline): Likely benign (1 of 4 stars; one submission).

Conditions:
POLD1-related polyposis and colorectal cancer syndrome (CRCS10). Also called: Colorectal cancer 10; COLORECTAL CANCER, SUSCEPTIBILITY TO, ON CHROMOSOME 19q; Colorectal cancer, susceptibility to, 10. Identifiers: Orphanet 220460, MedGen C2675481, MONDO:0012953, OMIM 612591.

Submission:

Myriad Genetics, Inc.
Classification: Likely benign for POLD1-related polyposis and colorectal cancer syndrome. Last evaluated: 2025-02-05. Review status: criteria provided, single submitter. Criteria: Myriad Autosomal Dominant, Autosomal Recessive and X-Linked Classification Criteria (2023). Collection method: clinical testing. Allele origin: unknown.
Comment: This variant is considered likely benign. This variant is intronic and is not expected to impact mRNA splicing.

NM_002691.4(POLD1):c.1137+7C>T

Gene: POLD1 (DNA polymerase delta 1, catalytic subunit; plus strand). Cytogenetic location: 19q13.33.
Variant type: single nucleotide variant.
Coding change: c.1137+7C>T on transcript NM_002691.4 (MANE Select); 7 bases into the intron after coding-DNA position 1137, C replaced by T.
Molecular consequence: intron variant.
Genome position (GRCh38, 1-based): chr19:50,403,226, C>T. VCF-style: chr19-50403226-C-T. GRCh37 (hg19) VCF-style: chr19-50906483-C-T.
Other names: c.1137+7C>T (NM_001256849.1, NM_001308632.1).
Identifiers: ClinVar variation 3904221 (VCV003904221.1).